The following is an entry in ClinVar:

NM_000070.3(CAPN3):c.2271_2282dup (p.His757_Asn760dup)

Gene: CAPN3 (calpain 3; plus strand). Cytogenetic location: 15q15.1.
Variant type: Duplication.
Coding change: c.2271_2282dup on transcript NM_000070.3 (MANE Select); coding-DNA positions 2271 to 2282, 12 bases duplicated (CCTCAACAACCA).
Protein change: p.His757_Asn760dup.
Molecular consequence: inframe insertion.
Genome position (GRCh38, 1-based): chr15:42,410,891-42,410,902, CCTCAACAACCA duplicated; duplicating any 12 consecutive bases within chr15:42,410,888-42,410,902 gives the same sequence; the c. name uses the placement nearest the transcript's 3' end. VCF-style (leftmost placement, unchanged base first): chr15-42410887-T-TCCACCTCAACAA. GRCh37 (hg19) VCF-style: chr15-42703085-T-TCCACCTCAACAA.
Other names: c.2271_2282dup (NM_000070.2); c.2253_2264dup, p.His751_Asn754dup (NM_024344.2); c.1995_2006dup, p.His665_Asn668dup (NM_173087.2); c.735_746dup, p.His245_Asn248dup (NM_173088.2); c.276_287dup, p.His92_Asn95dup (NM_173089.2, NM_173090.2).
Identifiers: ClinVar variation 661022 (VCV000661022.11), dbSNP rs1595847810, ClinGen allele CA915946555.
Genomic context (GRCh38, chr15:42,410,887, plus strand): 5'-AAGGCAGGCCCAAGGCCTCCAGCTCCACGTCCACCTCTAACATGGTCCCCTCCACAGGAT[T>TCCACCTCAACAA]CCACCTCAACAACCAGCTCTATGACATCATTACCATGCGGTACGCAGACAAACACATGAA-3'

ClinVar aggregate classification (germline): Uncertain significance (1 of 4 stars; one submission).

Conditions:
Autosomal recessive limb-girdle muscular dystrophy type 2A (LGMDR1). Also called: MUSCULAR DYSTROPHY, PELVOFEMORAL; Limb-girdle muscular dystrophy, type 2A; Muscular dystrophy, limb-girdle, type 2A, Amish; LEYDEN-MOEBIUS MUSCULAR DYSTROPHY; Calpainopathy. Identifiers: Orphanet 267, MedGen C1869123, MONDO:0009675, OMIM 253600. Disease mechanism: loss of function.

Submission:

Labcorp Genetics (formerly Invitae), Labcorp
Classification: Uncertain significance for Autosomal recessive limb-girdle muscular dystrophy type 2A. Last evaluated: 2025-09-02. Review status: criteria provided, single submitter. Criteria: Invitae Variant Classification Sherloc (09022015). Collection method: clinical testing. Allele origin: germline.
Comment: This variant, c.2271_2282dup, results in the insertion of 4 amino acid(s) of the CAPN3 protein (p.His757_Asn760dup), but otherwise preserves the integrity of the reading frame. This variant is not present in population databases (gnomAD no frequency). This variant has been observed in individual(s) with autosomal recessive limb-girdle muscular dystrophy (internal data). ClinVar contains an entry for this variant (Variation ID: 661022). Experimental studies and prediction algorithms are not available or were not evaluated, and the functional significance of this variant is currently unknown. In summary, the available evidence is currently insufficient to determine the role of this variant in disease. Therefore, it has been classified as a Variant of Uncertain Significance.